The following is an entry in ClinVar:

ClinVar aggregate classification (germline): Benign/Likely benign. Review status: criteria provided, multiple submitters, no conflicts (2 of 4 stars). 4 submissions from 4 submitters: Benign (1); Likely benign (3). Last evaluated 2026-06-16.

Conditions:
Polyps, multiple and recurrent inflammatory fibroid, gastrointestinal. Identifiers: MedGen C5193005, MONDO:0008285, OMIM 175510.
PDGFRA-related disorder. Also called: PDGFRA-related condition.
Hereditary cancer-predisposing syndrome. Also called: Neoplastic Syndromes, Hereditary; Hereditary neoplastic syndrome; Hereditary Cancer Syndrome; Tumor predisposition. Identifiers: Orphanet 140162, MedGen C0027672, MeSH D009386, MONDO:0015356.
Gastrointestinal stromal tumor. Also called: Gastrointestinal stromal tumor, somatic; Gastrointestinal stroma tumor. Identifiers: Orphanet 44890, MedGen C0238198, MeSH D046152, MONDO:0011719, OMIM 606764, HP:0100723.

Allele frequency attached by ClinVar (database versions not stated): gnomAD 0.00015 and 0.00016; ExAC 0.00008; ESP Exome Variant Server 0.00008; TOPMed 0.00009; gnomAD exomes 0.00012.
gnomAD v4.1: 216 of 1,613,522 alleles (0.013%); highest among the groups gnomAD compares: Non-Finnish European, 0.016%; 1 homozygote.

Submissions (4):

Myriad Genetics, Inc.
Classification: Benign for Polyps, multiple and recurrent inflammatory fibroid, gastrointestinal. Last evaluated: 2026-06-16. Review status: criteria provided, single submitter. Criteria: Myriad Autosomal Dominant, Autosomal Recessive and X-Linked Classification Criteria (2023). Collection method: clinical testing. Allele origin: unknown.
Comment: This variant is considered benign. This variant is a silent/synonymous amino acid change and it is not expected to impact splicing.

Labcorp Genetics (formerly Invitae), Labcorp
Classification: Likely benign for Gastrointestinal stromal tumor. Last evaluated: 2026-01-07. Review status: criteria provided, single submitter. Criteria: Invitae Variant Classification Sherloc (09022015). Collection method: clinical testing. Allele origin: germline.

PreventionGenetics, part of Exact Sciences
Classification: Likely benign for PDGFRA-related condition. Last evaluated: 2025-09-24. Review status: criteria provided, single submitter. Criteria: ACMG Guidelines, 2015. Collection method: clinical testing. Allele origin: germline.
Comment: This variant is classified as likely benign based on ACMG/AMP sequence variant interpretation guidelines (Richards et al. 2015 PMID: 25741868, with internal and published modifications).

Ambry Genetics
Classification: Likely benign for Hereditary cancer-predisposing syndrome. Last evaluated: 2018-09-27. Review status: criteria provided, single submitter. Criteria: Ambry Variant Classification Scheme 2023. Collection method: clinical testing. Allele origin: germline.

NM_006206.6(PDGFRA):c.1113G>A (p.Gln371=)

Gene: PDGFRA (platelet derived growth factor receptor alpha; plus strand). Cytogenetic location: 4q12.
Variant type: single nucleotide variant.
Coding change: c.1113G>A on transcript NM_006206.6 (MANE Select); coding-DNA position 1113, G replaced by A.
Protein change: p.Gln371=; no amino-acid change (glutamine 371 retained).
Molecular consequence: synonymous variant.
Genome position (GRCh38, 1-based): chr4:54,267,733, G>A. VCF-style: chr4-54267733-G-A. GRCh37 (hg19) VCF-style: chr4-55133900-G-A.
Other names: c.1113G>A, p.Gln371= (NM_001347827.2, NM_001347829.2); c.1188G>A, p.Gln396= (NM_001347828.2); c.1152G>A, p.Gln384= (NM_001347830.2); c.1113G>A (NM_006206.5).
Identifiers: ClinVar variation 240295 (VCV000240295.18), dbSNP rs143089919, ClinGen allele CA2922455.